The following is an entry in ClinVar:

ClinVar aggregate classification (germline): Likely benign. Review status: criteria provided, multiple submitters, no conflicts (2 of 4 stars). 5 submissions from 5 submitters: Likely benign (5). Last evaluated 2026-07-01.

Conditions:
Cardiomyopathy (CMYO). Also called: Cardiomyopathies. Identifiers: Orphanet 167848, MedGen C0878544, MONDO:0004994, HP:0001638. Inheritance: Various modes of inheritance.
Hypertrophic cardiomyopathy. Also called: HYPERTROPHIC MYOCARDIOPATHY. Identifiers: Orphanet 217569, MedGen C0007194, MeSH D002312, MONDO:0005045, HP:0001639.

Allele frequency attached by ClinVar (database versions not stated): TOPMed below 0.00001; ExAC 0.00003; gnomAD 0.00001; gnomAD exomes 0.00001 and 0.00002.
gnomAD v4.1: 20 of 1,613,984 alleles (0.0012%); highest among the groups gnomAD compares: Admixed American, 0.0017%; no homozygotes.

Submissions (5):

CeGaT Center for Human Genetics Tuebingen
Classification: Likely benign. Last evaluated: 2026-07-01. Review status: criteria provided, single submitter. Criteria: CeGaT Center For Human Genetics Tuebingen Variant Classification Criteria Version 2. Collection method: clinical testing. Allele origin: germline. Affected: yes. Observed: 2 variant alleles.
Comment: TNNI3: BP4, BP7

Labcorp Genetics (formerly Invitae), Labcorp
Classification: Likely benign for Hypertrophic cardiomyopathy. Last evaluated: 2025-08-06. Review status: criteria provided, single submitter. Criteria: Invitae Variant Classification Sherloc (09022015). Collection method: clinical testing. Allele origin: germline.

All of Us Research Program, National Institutes of Health
Classification: Likely benign for Hypertrophic cardiomyopathy. Last evaluated: 2024-01-03. Review status: criteria provided, single submitter. Criteria: ACMG Guidelines, 2015. Collection method: clinical testing. Allele origin: germline. Inheritance: Autosomal dominant inheritance. Observed: 2 variant alleles, 2 heterozygotes.
Comment: This study involves interpretation of variants in research participants for the purpose of population health screening. Participant phenotype was not available at the time of variant classification. Additional details can be found in publication PMID: 35346344, PMCID: PMC8962531

Color Diagnostics, LLC DBA Color Health
Classification: Likely benign for Cardiomyopathy. Last evaluated: 2020-03-26. Review status: criteria provided, single submitter. Criteria: ACMG Guidelines, 2015. Collection method: clinical testing. Allele origin: germline.

Blueprint Genetics
Classification: Likely benign. Last evaluated: 2018-02-26. Review status: criteria provided, single submitter. Criteria: ACMG Guidelines, 2015. Collection method: clinical testing. Allele origin: germline.

NM_000363.5(TNNI3):c.369G>A (p.Thr123=)

Gene: TNNI3 (troponin I3, cardiac type; minus strand). Cytogenetic location: 19q13.42.
Variant type: single nucleotide variant.
Coding change: c.369G>A on transcript NM_000363.5 (MANE Select); coding-DNA position 369, G replaced by A.
Protein change: p.Thr123=; no amino-acid change (threonine 123 retained).
Molecular consequence: synonymous variant.
Genome position (GRCh38, 1-based): chr19:55,154,744, C>T on the plus strand (G>A on the coding strand, the complement: TNNI3 is on the minus strand). VCF-style: chr19-55154744-C-T. GRCh37 (hg19) VCF-style: chr19-55666112-C-T.
Identifiers: ClinVar variation 1112319 (VCV001112319.12), dbSNP rs748164248, ClinGen allele CA051354.